The following is an entry in ClinVar:

NM_001005242.3(PKP2):c.1323G>T (p.Arg441=)

Gene: PKP2 (plakophilin 2; minus strand). Cytogenetic location: 12p11.21.
Variant type: single nucleotide variant.
Coding change: c.1323G>T on transcript NM_001005242.3 (MANE Select); coding-DNA position 1323, G replaced by T.
Protein change: p.Arg441=; no amino-acid change (arginine 441 retained).
Molecular consequence: synonymous variant.
Genome position (GRCh38, 1-based): chr12:32,850,821, C>A on the plus strand (G>T on the coding strand, the complement: PKP2 is on the minus strand). VCF-style: chr12-32850821-C-A. GRCh37 (hg19) VCF-style: chr12-33003755-C-A.
Other names: c.1323G>T, p.Arg441= (NM_004572.4).
Identifiers: ClinVar variation 308510 (VCV000308510.24), dbSNP rs3748278, ClinGen allele CA027672.
Genomic context (GRCh38, chr12:32,850,821, plus strand): 5'-ACTACCTGTTATTTGTTTTTTAGTCTCCAAGTCTCTGGTTTGCTTCAGCACCTGGAGCAG[C>A]CGAGGTACCCCATTTAGTTCAGCCACCTCCAATTTGTTGTCATTGTCTTCAAATACTAAG-3'
Protein context (NP_001005242.2, residues 431-451): LEVAELNGVP[Arg441=]LLQVLKQTRD

ClinVar aggregate classification (germline): Conflicting classifications of pathogenicity. Review status: criteria provided, conflicting classifications (1 of 4 stars). 7 submissions from 7 submitters: Uncertain significance (1); Benign (4); Likely benign (2). Last evaluated 2026-03-31.

Conditions:
Cardiovascular phenotype. Identifiers: MedGen CN230736.
Arrhythmogenic right ventricular dysplasia 9 (ARVD9). Also called: ARRHYTHMOGENIC RIGHT VENTRICULAR DYSPLASIA, FAMILIAL, 9; Arrhythmogenic Right Ventricular Dysplasia/Cardiomyopathy 9. Identifiers: MedGen C1836906, MONDO:0012180, OMIM 609040.
PKP2-related disorder. Also called: PKP2-related condition.
Arrhythmogenic right ventricular cardiomyopathy (ARVD). Also called: Arrhythmogenic cardiomyopathy; Arrhythmogenic Right Ventricular Cardiomyopathy (ARVC); Cardiomyopathy, ARVC; Arrhythmogenic right ventricular dysplasia. Identifiers: Orphanet 247, MedGen C0349788, MeSH D019571, MONDO:0016587. Disease mechanism: loss of function. Inheritance: Various modes of inheritance.
Cardiomyopathy (CMYO). Also called: Cardiomyopathies. Identifiers: Orphanet 167848, MedGen C0878544, MONDO:0004994, HP:0001638. Inheritance: Various modes of inheritance.

Allele frequency attached by ClinVar (database versions not stated): TOPMed below 0.00001; gnomAD 0.00001; gnomAD exomes 0.00011; ExAC 0.00014.
gnomAD v4.1: 153 of 1,613,456 alleles (0.0095%); highest among the groups gnomAD compares: East Asian, 0.33%; 3 homozygotes.

Submissions (7):

PreventionGenetics, part of Exact Sciences
Classification: Benign for PKP2-related condition. Last evaluated: 2026-03-31. Review status: criteria provided, single submitter. Criteria: ACMG Guidelines, 2015. Collection method: clinical testing. Allele origin: germline.
Comment: This variant is classified as benign based on ACMG/AMP sequence variant interpretation guidelines (Richards et al. 2015 PMID: 25741868, with internal and published modifications).

Labcorp Genetics (formerly Invitae), Labcorp
Classification: Benign for Arrhythmogenic right ventricular dysplasia 9. Last evaluated: 2026-01-31. Review status: criteria provided, single submitter. Criteria: Invitae Variant Classification Sherloc (09022015). Collection method: clinical testing. Allele origin: germline.

All of Us Research Program, National Institutes of Health
Classification: Benign for Arrhythmogenic right ventricular cardiomyopathy. Last evaluated: 2024-07-29. Review status: criteria provided, single submitter. Criteria: ACMG Guidelines, 2015. Collection method: clinical testing. Allele origin: germline. Inheritance: Autosomal dominant inheritance. Observed: 7 variant alleles, 7 heterozygotes.
Comment: This study involves interpretation of variants in research participants for the purpose of population health screening. Participant phenotype was not available at the time of variant classification. Additional details can be found in publication PMID: 35346344, PMCID: PMC8962531

Color Diagnostics, LLC DBA Color Health
Classification: Benign for Cardiomyopathy. Last evaluated: 2019-01-31. Review status: criteria provided, single submitter. Criteria: ACMG Guidelines, 2015. Collection method: clinical testing. Allele origin: germline.

Illumina Laboratory Services, Illumina
Classification: Uncertain significance for Arrhythmogenic right ventricular dysplasia 9. Last evaluated: 2018-01-12. Review status: criteria provided, single submitter. Criteria: ICSL Variant Classification Criteria 13 December 2019. Collection method: clinical testing. Allele origin: germline.

GeneDx
Classification: Likely benign. Last evaluated: 2017-04-24. Review status: criteria provided, single submitter. Criteria: GeneDx Variant Classification (06012015). Collection method: clinical testing. Allele origin: germline. Affected: yes.
Comment: This variant is considered likely benign or benign based on one or more of the following criteria: it is a conservative change, it occurs at a poorly conserved position in the protein, it is predicted to be benign by multiple in silico algorithms, and/or has population frequency not consistent with disease.

Ambry Genetics
Classification: Likely benign for Cardiovascular phenotype. Last evaluated: 2016-02-01. Review status: criteria provided, single submitter. Criteria: Ambry Variant Classification Scheme 2023. Collection method: clinical testing. Allele origin: germline.